The following is an entry in ClinVar:

NM_001458.5(FLNC):c.2710G>A (p.Val904Met)

Gene: FLNC (filamin C; plus strand). Cytogenetic location: 7q32.1.
Variant type: single nucleotide variant.
Coding change: c.2710G>A on transcript NM_001458.5 (MANE Select); coding-DNA position 2710, G replaced by A.
Protein change: p.Val904Met; replaces valine 904 with methionine.
Molecular consequence: missense variant.
Genome position (GRCh38, 1-based): chr7:128,843,476, G>A. VCF-style: chr7-128843476-G-A. GRCh37 (hg19) VCF-style: chr7-128483530-G-A.
Other names: c.2710G>A, p.Val904Met (NM_001127487.2); short protein forms V904M.
Identifiers: ClinVar variation 1056586 (VCV001056586.9), dbSNP rs1340231541, ClinGen allele CA369192982.
Genomic context (GRCh38, chr7:128,843,476, plus strand): 5'-GTCGGGAAGCCCACCCACTTCACGGTGCTGACCAAGGGAGCCGGCAAGGCCAAGCTGGAT[G>A]TGCAGTTTGCAGGGACAGCCAAGGGCGAGGTTGTGCGGGACTTTGAGATCATAGACAACC-3'
Protein context (NP_001449.3, residues 894-914): TKGAGKAKLD[Val904Met]QFAGTAKGEV

ClinVar aggregate classification (germline): Uncertain significance (1 of 4 stars; one submission).

Conditions:
Hypertrophic cardiomyopathy 26. Also called: Cardiomyopathy, familial hypertrophic, 26. Identifiers: Orphanet 75249, MedGen C4310749, MONDO:0014883, OMIM 617047.
Distal myopathy with posterior leg and anterior hand involvement. Also called: WILLIAMS DISTAL MYOPATHY. Identifiers: Orphanet 63273, MedGen C3279722, MONDO:0013550, OMIM 614065.
Myofibrillar myopathy 5. Also called: Filaminopathy (type); FILAMINOPATHY, AUTOSOMAL DOMINANT. Identifiers: Orphanet 171445, MedGen C1836050, MONDO:0012289, OMIM 609524.

Submission:

Labcorp Genetics (formerly Invitae), Labcorp
Classification: Uncertain significance for Distal myopathy with posterior leg and anterior hand involvement; Myofibrillar myopathy 5; Hypertrophic cardiomyopathy 26. Last evaluated: 2025-12-20. Review status: criteria provided, single submitter. Criteria: Invitae Variant Classification Sherloc (09022015). Collection method: clinical testing. Allele origin: germline.
Comment: This sequence change replaces valine, which is neutral and non-polar, with methionine, which is neutral and non-polar, at codon 904 of the FLNC protein (p.Val904Met). This variant is not present in population databases (gnomAD no frequency). This variant has not been reported in the literature in individuals affected with FLNC-related conditions. ClinVar contains an entry for this variant (Variation ID: 1056586). Invitae Evidence Modeling of protein sequence and biophysical properties (such as structural, functional, and spatial information, amino acid conservation, physicochemical variation, residue mobility, and thermodynamic stability) has been performed for this missense variant. However, the output from this modeling did not meet the statistical confidence thresholds required to predict the impact of this variant on FLNC protein function. In summary, the available evidence is currently insufficient to determine the role of this variant in disease. Therefore, it has been classified as a Variant of Uncertain Significance.